The following is an entry in ClinVar:

ClinVar aggregate classification (germline): Likely benign. Review status: criteria provided, multiple submitters, no conflicts (2 of 4 stars). 2 submissions from 2 submitters: Likely benign (2). Last evaluated 2024-12-26.

Conditions:
PKD1-related disorder. Also called: PKD1-related condition.

Allele frequency attached by ClinVar (database versions not stated): gnomAD exomes 0.00004 and 0.00007; TOPMed 0.00005; gnomAD 0.00006; ExAC 0.00010.
gnomAD v4.1: 68 of 1,608,936 alleles (0.0042%); highest among the groups gnomAD compares: African/African-American, 0.008%; no homozygotes.

Submissions (2):

PreventionGenetics, part of Exact Sciences
Classification: Likely benign for PKD1-related condition. Last evaluated: 2024-12-26. Review status: criteria provided, single submitter. Criteria: ACMG Guidelines, 2015. Collection method: clinical testing. Allele origin: germline.
Comment: This variant is classified as likely benign based on ACMG/AMP sequence variant interpretation guidelines (Richards et al. 2015 PMID: 25741868, with internal and published modifications).

Athena Diagnostics
Classification: Likely benign. Last evaluated: 2017-10-11. Review status: criteria provided, single submitter. Criteria: Athena Diagnostics Criteria. Collection method: clinical testing. Allele origin: germline.

NM_001009944.3(PKD1):c.2643C>T (p.Phe881=)

Gene: PKD1 (polycystin 1, transient receptor potential channel interacting; minus strand). Cytogenetic location: 16p13.3.
Variant type: single nucleotide variant.
Coding change: c.2643C>T on transcript NM_001009944.3 (MANE Select); coding-DNA position 2643, C replaced by T.
Protein change: p.Phe881=; no amino-acid change (phenylalanine 881 retained).
Molecular consequence: synonymous variant.
Genome position (GRCh38, 1-based): chr16:2,114,380, G>A on the plus strand (C>T on the coding strand, the complement: PKD1 is on the minus strand). VCF-style: chr16-2114380-G-A. GRCh37 (hg19) VCF-style: chr16-2164381-G-A.
Other names: c.2643C>T, p.Phe881= (NM_000296.4); c.2643C>T (NM_001009944.2).
Identifiers: ClinVar variation 586261 (VCV000586261.3), dbSNP rs765764257, ClinGen allele CA7833148.
Genomic context (GRCh38, chr16:2,114,380, plus strand): 5'-CCACGGCAGTGCTACCACTGAGAACAGGGTATCGTTGGTCTCCCAGGGGCAGCCGGGCAC[G>A]AAGGTGGCCACCAGGGCAGGGCAGACATTCTCAAAGCGGGCGCTGACACTGCCCCCAGGC-3'
Protein context (NP_001009944.3, residues 871-891): ENVCPALVAT[Phe881=]VPGCPWETND